The following is an entry in ClinVar:

ClinVar aggregate classification (germline): Uncertain significance (1 of 4 stars; one submission).

Conditions:
Tuberous sclerosis 2 (TSC2). Identifiers: Orphanet 805, MedGen C1860707, MONDO:0013199, OMIM 613254.

Submission:

Labcorp Genetics (formerly Invitae), Labcorp
Classification: Uncertain significance for Tuberous sclerosis 2. Last evaluated: 2023-03-13. Review status: criteria provided, single submitter. Criteria: Invitae Variant Classification Sherloc (09022015). Collection method: clinical testing. Allele origin: germline.
Comment: In summary, the available evidence is currently insufficient to determine the role of this variant in disease. Therefore, it has been classified as a Variant of Uncertain Significance. Advanced modeling of protein sequence and biophysical properties (such as structural, functional, and spatial information, amino acid conservation, physicochemical variation, residue mobility, and thermodynamic stability) performed at Invitae indicates that this missense variant is not expected to disrupt TSC2 protein function. This variant has not been reported in the literature in individuals affected with TSC2-related conditions. This variant is not present in population databases (gnomAD no frequency). This sequence change replaces isoleucine, which is neutral and non-polar, with threonine, which is neutral and polar, at codon 606 of the TSC2 protein (p.Ile606Thr).

NM_000548.5(TSC2):c.1817T>C (p.Ile606Thr)

Gene: TSC2 (TSC complex subunit 2; plus strand). Cytogenetic location: 16p13.3.
Variant type: single nucleotide variant.
Coding change: c.1817T>C on transcript NM_000548.5 (MANE Select); coding-DNA position 1817, T replaced by C.
Protein change: p.Ile606Thr; replaces isoleucine 606 with threonine.
Molecular consequence: missense variant. On other transcripts: non-coding transcript variant (5).
Genome position (GRCh38, 1-based): chr16:2,070,556, T>C. VCF-style: chr16-2070556-T-C. GRCh37 (hg19) VCF-style: chr16-2120557-T-C.
Other names: c.1706T>C, p.Ile569Thr (NM_001406670.1, NM_001406678.1, NM_001318827.2); c.1805T>C, p.Ile602Thr (NM_001406671.1, NM_001406673.1); c.1670T>C, p.Ile557Thr (NM_001406675.1, NM_001406676.1, NM_001406679.1 and 1 more transcripts); c.1760T>C, p.Ile587Thr (NM_001406677.1); c.1217T>C, p.Ile406Thr (NM_001406680.1, NM_001318831.2, NM_001406682.1 and 6 more transcripts); c.1355T>C, p.Ile452Thr (NM_001406681.1); c.1817T>C, p.Ile606Thr (NM_001077183.3, NM_001114382.3, NM_001363528.2 and 6 more transcripts); c.1850T>C, p.Ile617Thr (NM_001318832.2); and 3 more; short protein forms I557T, I606T, I636T, I158T, I569T, I617T, I72T, I406T.
Identifiers: ClinVar variation 2845415 (VCV002845415.3), dbSNP rs2151281523, ClinGen allele CA394272981.